The following is an entry in ClinVar:

NM_012330.4(KAT6B):c.4445C>T (p.Thr1482Ile)

Gene: KAT6B (lysine acetyltransferase 6B; plus strand). Cytogenetic location: 10q22.2.
Variant type: single nucleotide variant.
Coding change: c.4445C>T on transcript NM_012330.4 (MANE Select); coding-DNA position 4445, C replaced by T.
Protein change: p.Thr1482Ile; replaces threonine 1482 with isoleucine.
Molecular consequence: missense variant.
Genome position (GRCh38, 1-based): chr10:75,029,269, C>T. VCF-style: chr10-75029269-C-T. GRCh37 (hg19) VCF-style: chr10-76789027-C-T.
Other names: c.3896C>T, p.Thr1299Ile (NM_001256468.2, NM_001370138.1); c.3569C>T, p.Thr1190Ile (NM_001256469.2, NM_001370139.1, NM_001370140.1 and 2 more transcripts); c.3407C>T, p.Thr1136Ile (NM_001370132.1); c.2756C>T, p.Thr919Ile (NM_001370133.1); c.2360C>T, p.Thr787Ile (NM_001370134.1); c.2102C>T, p.Thr701Ile (NM_001370135.1); c.4445C>T, p.Thr1482Ile (NM_001370136.1, NM_001370137.1); c.3380C>T, p.Thr1127Ile (NM_001370143.1, NM_001370144.1); short protein forms T1190I, T701I, T1299I, T919I, T1127I, T1136I, T1482I, T787I.
Identifiers: ClinVar variation 3655130 (VCV003655130.2).

ClinVar aggregate classification (germline): Uncertain significance (1 of 4 stars; one submission).

Conditions:
Genitopatellar syndrome (GTPTS). Also called: ABSENT PATELLAE, SCROTAL HYPOPLASIA, RENAL ANOMALIES, FACIAL DYSMORPHISM, AND MENTAL RETARDATION; Genitopatellar syndrome (GPS). Identifiers: Orphanet 85201, MedGen C1853566, MONDO:0011640, OMIM 606170.

gnomAD v4.1: 2 of 1,614,172 alleles (0.00012%); highest among the groups gnomAD compares: Non-Finnish European, 0.00017%; no homozygotes.

Submission:

Labcorp Genetics (formerly Invitae), Labcorp
Classification: Uncertain significance for Genitopatellar syndrome. Last evaluated: 2024-09-03. Review status: criteria provided, single submitter. Criteria: Invitae Variant Classification Sherloc (09022015). Collection method: clinical testing. Allele origin: germline.
Comment: This sequence change replaces threonine, which is neutral and polar, with isoleucine, which is neutral and non-polar, at codon 1482 of the KAT6B protein (p.Thr1482Ile). This variant is not present in population databases (gnomAD no frequency). This variant has not been reported in the literature in individuals affected with KAT6B-related conditions. Invitae Evidence Modeling of protein sequence and biophysical properties (such as structural, functional, and spatial information, amino acid conservation, physicochemical variation, residue mobility, and thermodynamic stability) indicates that this missense variant is not expected to disrupt KAT6B protein function with a negative predictive value of 80%. In summary, the available evidence is currently insufficient to determine the role of this variant in disease. Therefore, it has been classified as a Variant of Uncertain Significance.